The following is an entry in ClinVar:

ClinVar aggregate classification (germline): Uncertain significance (1 of 4 stars; one submission).

Conditions:
Mendelian susceptibility to mycobacterial diseases due to complete IL12B deficiency. Also called: IL12B DEFICIENCY; Immunodeficiency 29. Identifiers: Orphanet 319558, MedGen C4013948, MONDO:0013954, OMIM 614890.

Allele frequency attached by ClinVar (database versions not stated): gnomAD exomes below 0.00001.
gnomAD v4.1: 1 of 1,612,078 alleles (0.000062%); highest among the groups gnomAD compares: Non-Finnish European, 0.000085%; no homozygotes.

Submission:

Labcorp Genetics (formerly Invitae), Labcorp
Classification: Uncertain significance for Mendelian susceptibility to mycobacterial diseases due to complete IL12B deficiency. Last evaluated: 2022-06-26. Review status: criteria provided, single submitter. Criteria: Invitae Variant Classification Sherloc (09022015). Collection method: clinical testing. Allele origin: germline.
Comment: In summary, the available evidence is currently insufficient to determine the role of this variant in disease. Therefore, it has been classified as a Variant of Uncertain Significance. Algorithms developed to predict the effect of missense changes on protein structure and function (SIFT, PolyPhen-2, Align-GVGD) all suggest that this variant is likely to be disruptive. This variant has not been reported in the literature in individuals affected with IL12B-related conditions. This variant is not present in population databases (gnomAD no frequency). This sequence change replaces tryptophan, which is neutral and slightly polar, with cysteine, which is neutral and slightly polar, at codon 24 of the IL12B protein (p.Trp24Cys).

NM_002187.3(IL12B):c.72G>C (p.Trp24Cys)

Gene: IL12B (interleukin 12B; minus strand). Cytogenetic location: 5q33.3.
Variant type: single nucleotide variant.
Coding change: c.72G>C on transcript NM_002187.3 (MANE Select); coding-DNA position 72, G replaced by C.
Protein change: p.Trp24Cys; replaces tryptophan 24 with cysteine.
Molecular consequence: missense variant.
Genome position (GRCh38, 1-based): chr5:159,326,711, C>G on the plus strand (G>C on the coding strand, the complement: IL12B is on the minus strand). VCF-style: chr5-159326711-C-G. GRCh37 (hg19) VCF-style: chr5-158753719-C-G.
Other names: short protein forms W24C.
Identifiers: ClinVar variation 2011046 (VCV002011046.4), dbSNP rs1562114938, ClinGen allele CA362038399.
Genomic context (GRCh38, chr5:159,326,711, plus strand): 5'-CTTAGAAGTGGGGCCTCCACAGAGAATAATGAGAGGCTGGTTACCATCTTTCTTCAGTTC[C>G]CATATGGCCACGAGGGGAGATGCCAGAAAAACCAGGGAAAACCAAGAGATGACCAACTGC-3'
Protein context (NP_002178.2, residues 14-34): VFLASPLVAI[Trp24Cys]ELKKDVYVVE